The following is an entry in ClinVar:

NM_000526.5(KRT14):c.1381G>T (p.Val461Leu)

Gene: KRT14 (keratin 14; minus strand). Cytogenetic location: 17q21.2.
Variant type: single nucleotide variant.
Coding change: c.1381G>T on transcript NM_000526.5 (MANE Select); coding-DNA position 1381, G replaced by T.
Protein change: p.Val461Leu; replaces valine 461 with leucine.
Molecular consequence: missense variant.
Genome position (GRCh38, 1-based): chr17:41,582,473, C>A on the plus strand (G>T on the coding strand, the complement: KRT14 is on the minus strand). VCF-style: chr17-41582473-C-A. GRCh37 (hg19) VCF-style: chr17-39738725-C-A.
Other names: short protein forms V461L.
Identifiers: ClinVar variation 4781712 (VCV004781712.1).

ClinVar aggregate classification (germline): Uncertain significance (1 of 4 stars; one submission).

gnomAD v4.1: 4 of 1,572,704 alleles (0.00025%); highest among the groups gnomAD compares: Non-Finnish European, 0.00035%; no homozygotes.

Submission:

Labcorp Genetics (formerly Invitae), Labcorp
Classification: Uncertain significance. Last evaluated: 2025-06-04. Review status: criteria provided, single submitter. Criteria: Invitae Variant Classification Sherloc (09022015). Collection method: clinical testing. Allele origin: germline.
Comment: This sequence change replaces valine, which is neutral and non-polar, with leucine, which is neutral and non-polar, at codon 461 of the KRT14 protein (p.Val461Leu). This variant is not present in population databases (gnomAD no frequency). This variant has not been reported in the literature in individuals affected with KRT14-related conditions. An algorithm developed to predict the effect of missense changes on protein structure and function (PolyPhen-2) suggests that this variant is likely to be tolerated. In summary, the available evidence is currently insufficient to determine the role of this variant in disease. Therefore, it has been classified as a Variant of Uncertain Significance.